The following is an entry in ClinVar:

NM_000138.5(FBN1):c.1952T>C (p.Val651Ala)

Gene: FBN1 (fibrillin 1; minus strand). Cytogenetic location: 15q21.1.
Variant type: single nucleotide variant.
Coding change: c.1952T>C on transcript NM_000138.5 (MANE Select); coding-DNA position 1952, T replaced by C.
Protein change: p.Val651Ala; replaces valine 651 with alanine.
Molecular consequence: missense variant.
Genome position (GRCh38, 1-based): chr15:48,505,033, A>G on the plus strand (T>C on the coding strand, the complement: FBN1 is on the minus strand). VCF-style: chr15-48505033-A-G. GRCh37 (hg19) VCF-style: chr15-48797230-A-G.
Other names: c.1952T>C, p.Val651Ala (NM_001406716.1); short protein forms V651A.
Identifiers: ClinVar variation 3747905 (VCV003747905.4).

ClinVar aggregate classification (germline): Conflicting classifications of pathogenicity. Review status: criteria provided, conflicting classifications (1 of 4 stars). 3 submissions from 3 submitters: Uncertain significance (2); Likely benign (1). Last evaluated 2025-03-03.

Conditions:
Familial thoracic aortic aneurysm and aortic dissection (TAAD). Also called: Thoracic aortic aneurysms and dissections. Identifiers: Orphanet 91387, MedGen C4707243, MONDO:0019625.
Marfan syndrome (MFS). Also called: MARFAN SYNDROME, TYPE I; Marfan syndrome type 1; Marfan's syndrome; Marfan syndrome, classic; FBN1-Related Marfan Syndrome. Identifiers: Orphanet 284963, Orphanet 558, MedGen C0024796, MONDO:0007947, OMIM 154700.

gnomAD v4.1: 14 of 1,613,984 alleles (0.00087%); highest among the groups gnomAD compares: African/African-American, 0.0013%; no homozygotes.

Submissions (3):

GeneDx
Classification: Uncertain significance. Last evaluated: 2025-03-03. Review status: criteria provided, single submitter. Criteria: GeneDx Variant Classification Process June 2021. Collection method: clinical testing. Allele origin: germline. Affected: yes.
Comment: Has not been previously published as pathogenic or benign to our knowledge; Not observed at significant frequency in large population cohorts (gnomAD); In silico analysis indicates that this missense variant does not alter protein structure/function; This variant is associated with the following publications: (PMID: 12938084)

Ambry Genetics
Classification: Uncertain significance for Familial thoracic aortic aneurysm and aortic dissection. Last evaluated: 2025-02-06. Review status: criteria provided, single submitter. Criteria: Ambry Variant Classification Scheme 2023. Collection method: clinical testing. Allele origin: germline.
Comment: The p.V651A variant (also known as c.1952T>C), located in coding exon 15 of the FBN1 gene, results from a T to C substitution at nucleotide position 1952. The valine at codon 651 is replaced by alanine, an amino acid with similar properties. This amino acid position is well conserved in available vertebrate species. In addition, the in silico prediction for this alteration is inconclusive. Based on the available evidence, the clinical significance of this variant remains unclear.

Labcorp Genetics (formerly Invitae), Labcorp
Classification: Likely benign for Marfan syndrome; Familial thoracic aortic aneurysm and aortic dissection. Last evaluated: 2024-02-01. Review status: criteria provided, single submitter. Criteria: Invitae Variant Classification Sherloc (09022015). Collection method: clinical testing. Allele origin: germline.